The following is an entry in ClinVar:

NM_014484.5(MOCS3):c.1135G>C (p.Glu379Gln)

Gene: MOCS3 (molybdenum cofactor synthesis 3; plus strand). Cytogenetic location: 20q13.13.
Variant type: single nucleotide variant.
Coding change: c.1135G>C on transcript NM_014484.5 (MANE Select); coding-DNA position 1135, G replaced by C.
Protein change: p.Glu379Gln; replaces glutamic acid 379 with glutamine.
Molecular consequence: missense variant.
Genome position (GRCh38, 1-based): chr20:50,959,977, G>C. VCF-style: chr20-50959977-G-C. GRCh37 (hg19) VCF-style: chr20-49576514-G-C.
Other names: short protein forms E379Q.
Identifiers: ClinVar variation 4716484 (VCV004716484.1).

ClinVar aggregate classification (germline): Uncertain significance (1 of 4 stars; one submission).

Submission:

Labcorp Genetics (formerly Invitae), Labcorp
Classification: Uncertain significance. Last evaluated: 2025-04-01. Review status: criteria provided, single submitter. Criteria: Invitae Variant Classification Sherloc (09022015). Collection method: clinical testing. Allele origin: germline.
Comment: This sequence change replaces glutamic acid, which is acidic and polar, with glutamine, which is neutral and polar, at codon 379 of the MOCS3 protein (p.Glu379Gln). This variant is not present in population databases (gnomAD no frequency). This variant has not been reported in the literature in individuals affected with MOCS3-related conditions. An algorithm developed to predict the effect of missense changes on protein structure and function outputs the following: PolyPhen-2: "Benign". The glutamine amino acid residue is found in multiple mammalian species, which suggests that this missense change does not adversely affect protein function. In summary, the available evidence is currently insufficient to determine the role of this variant in disease. Therefore, it has been classified as a Variant of Uncertain Significance.